The following is an entry in ClinVar:

ClinVar aggregate classification (germline): Uncertain significance (1 of 4 stars; one submission).

Conditions:
MAGEL2-related disorder. Also called: MAGEL2-related condition.

gnomAD v4.1: 4 of 1,376,364 alleles (0.00029%); highest among the groups gnomAD compares: African/African-American, 0.0047%; no homozygotes.

Submission:

PreventionGenetics, part of Exact Sciences
Classification: Uncertain significance for MAGEL2-related condition. Last evaluated: 2025-08-15. Review status: criteria provided, single submitter. Criteria: ACMG Guidelines, 2015. Collection method: clinical testing. Allele origin: germline.
Comment: The MAGEL2 c.1396C>T variant is predicted to result in the amino acid substitution p.Arg466Cys. To our knowledge, this variant has not been reported in the literature. This variant is reported in 0.012% of alleles in individuals of African descent in gnomAD. At this time, the clinical significance of this variant is uncertain due to the absence of conclusive functional and genetic evidence.

NM_019066.5(MAGEL2):c.1396C>T (p.Arg466Cys)

Gene: MAGEL2 (MAGE family member L2; minus strand). Cytogenetic location: 15q11.2.
Variant type: single nucleotide variant.
Coding change: c.1396C>T on transcript NM_019066.5 (MANE Select); coding-DNA position 1396, C replaced by T.
Protein change: p.Arg466Cys; replaces arginine 466 with cysteine.
Molecular consequence: missense variant.
Genome position (GRCh38, 1-based): chr15:23,646,347, G>A on the plus strand (C>T on the coding strand, the complement: MAGEL2 is on the minus strand). VCF-style: chr15-23646347-G-A. GRCh37 (hg19) VCF-style: chr15-23891494-G-A.
Other names: short protein forms R466C.
Identifiers: ClinVar variation 4985763 (VCV004985763.1).
Genomic context (GRCh38, chr15:23,646,347, plus strand): 5'-TCACAGGTGGAGCCTGGCGGATCACAGGTGGGGCCTGGCGGATCACAGGTGGGGCCTGGC[G>A]GATCACAGCGGGGGCCTGGCGGATCACGGGTGGGGCCTGGCGGATCACGGGTGGGGCCTG-3'
Protein context (NP_061939.3, residues 456-476): PVIRQAPAVI[Arg466Cys]QAPPVIRQAP